The following is an entry in ClinVar:

ClinVar aggregate classification (germline): Likely pathogenic (1 of 4 stars; one submission).

Conditions:
Adams-Oliver syndrome 4 (AOS4). Identifiers: Orphanet 974, MedGen C3809092, MONDO:0014124, OMIM 615297.

Allele frequency attached by ClinVar (database versions not stated): gnomAD 0.00001.

Submission:

Labcorp Genetics (formerly Invitae), Labcorp
Classification: Likely pathogenic for Adams-Oliver syndrome 4. Last evaluated: 2017-12-05. Review status: criteria provided, single submitter. Criteria: Invitae Variant Classification Sherloc (09022015). Collection method: clinical testing. Allele origin: germline.
Comment: This variant is not present in population databases (ExAC no frequency). In summary, the currently available evidence indicates that the variant is pathogenic, but additional data are needed to prove that conclusively. Therefore, this variant has been classified as Likely Pathogenic. Donor and acceptor splice site variants typically lead to a loss of protein function (PMID: 16199547), and loss-of-function variants in EOGT are known to be pathogenic (PMID: 23522784, 23860037). Algorithms developed to predict the effect of sequence changes on RNA splicing suggest that this variant may disrupt the consensus splice site, but this prediction has not been confirmed by published transcriptional studies. This variant has not been reported in the literature in individuals with EOGT-related disease. This sequence change affects a donor splice site in intron 10 of the EOGT gene. It is expected to disrupt RNA splicing and likely results in an absent or disrupted protein product.

Literature cited by the submitters: PubMed 16199547; PubMed 23522784; PubMed 23860037.

NM_001278689.2(EOGT):c.831+2T>C

Gene: EOGT (EGF domain specific O-linked N-acetylglucosamine transferase; minus strand). Cytogenetic location: 3p14.1.
Variant type: single nucleotide variant.
Coding change: c.831+2T>C on transcript NM_001278689.2 (MANE Select); the canonical splice donor site of the intron after coding-DNA position 831, T replaced by C.
Molecular consequence: splice donor variant.
Genome position (GRCh38, 1-based): chr3:68,998,009, A>G on the plus strand (T>C on the coding strand, the complement: EOGT is on the minus strand). VCF-style: chr3-68998009-A-G. GRCh37 (hg19) VCF-style: chr3-69047160-A-G.
Other names: c.831+2T>C (NM_173654.3).
Identifiers: ClinVar variation 567459 (VCV000567459.6), dbSNP rs1559604548, ClinGen allele CA353466748.